The following is an entry in ClinVar:

ClinVar aggregate classification (germline): Uncertain significance (1 of 4 stars; one submission).

Allele frequency attached by ClinVar (database versions not stated): gnomAD exomes below 0.00001; gnomAD 0.00001.
gnomAD v4.1: 4 of 1,613,222 alleles (0.00025%); highest among the groups gnomAD compares: East Asian, 0.0022%; no homozygotes.

Submission:

Labcorp Genetics (formerly Invitae), Labcorp
Classification: Uncertain significance. Last evaluated: 2024-11-01. Review status: criteria provided, single submitter. Criteria: Invitae Variant Classification Sherloc (09022015). Collection method: clinical testing. Allele origin: germline.
Comment: This sequence change replaces glutamic acid, which is acidic and polar, with glycine, which is neutral and non-polar, at codon 140 of the EIF2B3 protein (p.Glu140Gly). This variant is not present in population databases (gnomAD no frequency). This variant has not been reported in the literature in individuals affected with EIF2B3-related conditions. ClinVar contains an entry for this variant (Variation ID: 1390566). Invitae Evidence Modeling of protein sequence and biophysical properties (such as structural, functional, and spatial information, amino acid conservation, physicochemical variation, residue mobility, and thermodynamic stability) indicates that this missense variant is not expected to disrupt EIF2B3 protein function with a negative predictive value of 80%. In summary, the available evidence is currently insufficient to determine the role of this variant in disease. Therefore, it has been classified as a Variant of Uncertain Significance.

NM_020365.5(EIF2B3):c.419A>G (p.Glu140Gly)

Gene: EIF2B3 (eukaryotic translation initiation factor 2B subunit gamma; minus strand). Cytogenetic location: 1p34.1.
Variant type: single nucleotide variant.
Coding change: c.419A>G on transcript NM_020365.5 (MANE Select); coding-DNA position 419, A replaced by G.
Protein change: p.Glu140Gly; replaces glutamic acid 140 with glycine.
Molecular consequence: missense variant.
Genome position (GRCh38, 1-based): chr1:44,941,541, T>C on the plus strand (A>G on the coding strand, the complement: EIF2B3 is on the minus strand). VCF-style: chr1-44941541-T-C. GRCh37 (hg19) VCF-style: chr1-45407213-T-C.
Other names: c.419A>G, p.Glu140Gly (NM_001166588.3, NM_001261418.2); short protein forms E140G.
Identifiers: ClinVar variation 1390566 (VCV001390566.5), dbSNP rs1004425628, ClinGen allele CA21780026.